The following is an entry in ClinVar:

ClinVar aggregate classification (germline): Uncertain significance. Review status: criteria provided, multiple submitters, no conflicts (2 of 4 stars). 2 submissions from 2 submitters: Uncertain significance (2). Last evaluated 2024-02-15.

Conditions:
Autosomal recessive ataxia, Beauce type. Also called: Spinocerebellar ataxia, autosomal recessive 8; ATAXIA, RECESSIVE, OF BEAUCE; SYNE1 Deficiency; SYNE1-Related Autosomal Recessive Cerebellar Ataxia. Identifiers: Orphanet 88644, MedGen C1853116, MONDO:0012549, OMIM 610743.
Emery-Dreifuss muscular dystrophy 4, autosomal dominant (EDMD4). Also called: EMERY-DREIFUSS MUSCULAR DYSTROPHY 4 WITH VARIABLE FEATURES. Identifiers: Orphanet 261, MedGen C2751807, MONDO:0013071, OMIM 612998.

Allele frequency attached by ClinVar (database versions not stated): ExAC 0.00002; gnomAD 0.00002 and 0.00003; gnomAD exomes below 0.00001 and 0.00001.
gnomAD v4.1: 10 of 1,613,918 alleles (0.00062%); highest among the groups gnomAD compares: Admixed American, 0.0083%; no homozygotes.

Submissions (2):

Labcorp Genetics (formerly Invitae), Labcorp
Classification: Uncertain significance for Emery-Dreifuss muscular dystrophy 4, autosomal dominant; Autosomal recessive ataxia, Beauce type. Last evaluated: 2024-02-15. Review status: criteria provided, single submitter. Criteria: Invitae Variant Classification Sherloc (09022015). Collection method: clinical testing. Allele origin: germline.
Comment: This sequence change replaces valine, which is neutral and non-polar, with isoleucine, which is neutral and non-polar, at codon 749 of the SYNE1 protein (p.Val749Ile). This variant is present in population databases (rs777920461, gnomAD 0.006%). This variant has not been reported in the literature in individuals affected with SYNE1-related conditions. ClinVar contains an entry for this variant (Variation ID: 596592). An algorithm developed to predict the effect of missense changes on protein structure and function (PolyPhen-2) suggests that this variant is likely to be tolerated. In summary, the available evidence is currently insufficient to determine the role of this variant in disease. Therefore, it has been classified as a Variant of Uncertain Significance.

Eurofins Ntd Llc (ga)
Classification: Uncertain significance. Last evaluated: 2018-03-23. Review status: criteria provided, single submitter. Criteria: EGL ClinVar v180209 classification definitions. Collection method: clinical testing. Allele origin: germline. Observed: 1 variant allele, 1 heterozygote.

NM_182961.4(SYNE1):c.2224G>A (p.Val742Ile)

Gene: SYNE1 (spectrin repeat containing nuclear envelope protein 1; minus strand). Cytogenetic location: 6q25.2.
Variant type: single nucleotide variant.
Coding change: c.2224G>A on transcript NM_182961.4 (MANE Select); coding-DNA position 2224, G replaced by A.
Protein change: p.Val742Ile; replaces valine 742 with isoleucine.
Molecular consequence: missense variant.
Genome position (GRCh38, 1-based): chr6:152,462,764, C>T on the plus strand (G>A on the coding strand, the complement: SYNE1 is on the minus strand). VCF-style: chr6-152462764-C-T. GRCh37 (hg19) VCF-style: chr6-152783899-C-T.
Other names: c.2245G>A, p.Val749Ile (NM_033071.5); short protein forms V742I, V749I.
Identifiers: ClinVar variation 596592 (VCV000596592.13), dbSNP rs777920461, ClinGen allele CA4059194.
Genomic context (GRCh38, chr6:152,462,764, plus strand): 5'-GTAGGCTTTTCATTTTGATTCAGAAACCCCTCACCTCCAAGTCTTGAATTAATAGCTTGA[C>T]ATTCATAAAAGAGACTTCTAAGGGTTCAGAAAGTTTCTTATGGGCTTCCGTTGCAAAAGC-3'
Protein context (NP_892006.3, residues 732-752): SEPLEVSFMN[Val742Ile]KLLIQDLEDI